The following is an entry in ClinVar:

NM_001377458.1(CLCC1):c.1102A>C (p.Ser368Arg)

Gene: CLCC1 (chloride channel CLIC like 1; minus strand). Cytogenetic location: 1p13.3.
Variant type: single nucleotide variant.
Coding change: c.1102A>C on transcript NM_001377458.1 (MANE Select); coding-DNA position 1102, A replaced by C.
Protein change: p.Ser368Arg; replaces serine 368 with arginine.
Molecular consequence: missense variant. On other transcripts: non-coding transcript variant (1).
Genome position (GRCh38, 1-based): chr1:108,937,358, T>G on the plus strand (A>C on the coding strand, the complement: CLCC1 is on the minus strand). VCF-style: chr1-108937358-T-G. GRCh37 (hg19) VCF-style: chr1-109479980-T-G.
Other names: c.1102A>C, p.Ser368Arg (NM_001048210.3, NM_001377459.1, NM_001377460.1 and 8 more transcripts); c.739A>C, p.Ser247Arg (NM_001278202.2); c.547A>C, p.Ser183Arg (NM_001278203.1); c.1000A>C, p.Ser334Arg (NM_001377469.1); c.811A>C, p.Ser271Arg (NM_001377470.1); c.952A>C, p.Ser318Arg (NM_015127.5); short protein forms S271R, S318R, S183R, S247R, S334R, S368R.
Identifiers: ClinVar variation 1400461 (VCV001400461.5), dbSNP rs1383205785, ClinGen allele CA341458170.

ClinVar aggregate classification (germline): Uncertain significance (1 of 4 stars; one submission).

Submission:

Labcorp Genetics (formerly Invitae), Labcorp
Classification: Uncertain significance. Last evaluated: 2022-08-10. Review status: criteria provided, single submitter. Criteria: Invitae Variant Classification Sherloc (09022015). Collection method: clinical testing. Allele origin: germline.
Comment: In summary, the available evidence is currently insufficient to determine the role of this variant in disease. Therefore, it has been classified as a Variant of Uncertain Significance. Algorithms developed to predict the effect of missense changes on protein structure and function output the following: SIFT: "Tolerated"; PolyPhen-2: "Benign"; Align-GVGD: "Class C0". The arginine amino acid residue is found in multiple mammalian species, which suggests that this missense change does not adversely affect protein function. ClinVar contains an entry for this variant (Variation ID: 1400461). This variant has not been reported in the literature in individuals affected with CLCC1-related conditions. This variant is not present in population databases (gnomAD no frequency). This sequence change replaces serine, which is neutral and polar, with arginine, which is basic and polar, at codon 368 of the CLCC1 protein (p.Ser368Arg).